The following is an entry in ClinVar:

NM_016222.4(DDX41):c.1151A>G (p.Asn384Ser)

Gene: DDX41 (DEAD-box helicase 41; minus strand). Cytogenetic location: 5q35.3.
Variant type: single nucleotide variant.
Coding change: c.1151A>G on transcript NM_016222.4 (MANE Select); coding-DNA position 1151, A replaced by G.
Protein change: p.Asn384Ser; replaces asparagine 384 with serine.
Molecular consequence: missense variant.
Genome position (GRCh38, 1-based): chr5:177,513,432, T>C on the plus strand (A>G on the coding strand, the complement: DDX41 is on the minus strand). VCF-style: chr5-177513432-T-C. GRCh37 (hg19) VCF-style: chr5-176940433-T-C.
Other names: c.773A>G, p.Asn258Ser (NM_001321732.2, NM_001321830.2); short protein forms N258S, N384S.
Identifiers: ClinVar variation 4869624 (VCV004869624.1).

ClinVar aggregate classification (germline): Uncertain significance (1 of 4 stars; one submission).

Conditions:
Inborn genetic diseases. Identifiers: MedGen C0950123, MeSH D030342.

Submission:

Ambry Genetics
Classification: Uncertain significance for Inborn genetic diseases. Last evaluated: 2026-03-25. Review status: criteria provided, single submitter. Criteria: Ambry Variant Classification Scheme 2023. Collection method: clinical testing. Allele origin: germline.
Comment: The p.N384S variant (also known as c.1151A>G), located in coding exon 11 of the DDX41 gene, results from an A to G substitution at nucleotide position 1151. The asparagine at codon 384 is replaced by serine, an amino acid with highly similar properties. This amino acid position is conserved. In addition, this alteration is predicted to be tolerated by in silico analysis. Based on the available evidence, the clinical significance of this variant remains unclear.